The following is an entry in ClinVar:

ClinVar aggregate classification (germline): Conflicting classifications of pathogenicity. Review status: criteria provided, conflicting classifications (1 of 4 stars). 3 submissions from 3 submitters: Likely pathogenic (1); Uncertain significance (2). Last evaluated 2026-08-27.

Conditions:
CACNA1F-related disorder. Also called: CACNA1F-related condition.

Submissions (3):

PreventionGenetics, part of Exact Sciences
Classification: Likely pathogenic for CACNA1F-related condition. Last evaluated: 2026-08-27. Review status: criteria provided, single submitter. Criteria: ACMG Guidelines, 2015. Collection method: clinical testing. Allele origin: germline.
Comment: The CACNA1F c.4457T>C variant is predicted to result in the amino acid substitution p.Leu1486Pro. This variant has been reported in an individual with congenital stationary night blindness (CSNB) (referred to as c.4424T>C; p.Leu1475Pro on alternate transcript NM_001256789 in Table S1, Zeitz et al. 2009. PubMed ID: 19578023). We have observed this variant in several apparently unrelated male patients with a diagnosis of CSNB (Internal Data, PreventionGenetics). This variant has not been reported in a large population database (gnomAD), indicating this variant is rare. Taken together, we classify this variant as likely pathogenic.

Labcorp Genetics (formerly Invitae), Labcorp
Classification: Uncertain significance. Last evaluated: 2022-09-15. Review status: criteria provided, single submitter. Criteria: Invitae Variant Classification Sherloc (09022015). Collection method: clinical testing. Allele origin: germline.
Comment: This sequence change replaces leucine, which is neutral and non-polar, with proline, which is neutral and non-polar, at codon 1486 of the CACNA1F protein (p.Leu1486Pro). In summary, the available evidence is currently insufficient to determine the role of this variant in disease. Therefore, it has been classified as a Variant of Uncertain Significance. Advanced modeling of protein sequence and biophysical properties (such as structural, functional, and spatial information, amino acid conservation, physicochemical variation, residue mobility, and thermodynamic stability) performed at Invitae indicates that this missense variant is expected to disrupt CACNA1F protein function. This variant is also known as c.4424T>C, p.Leu1475Pro. This missense change has been observed in individual(s) with congenital stationary night blindness (PMID: 19578023). This variant is not present in population databases (gnomAD no frequency).

Blueprint Genetics
Classification: Uncertain significance. Last evaluated: 2021-06-02. Review status: criteria provided, single submitter. Criteria: ACMG Guidelines, 2015. Collection method: clinical testing. Allele origin: germline.

Literature cited by the submitters: PubMed 19578023 (cited by Labcorp Genetics (formerly Invitae), Labcorp).

NM_001256789.3(CACNA1F):c.4424T>C (p.Leu1475Pro)

Gene: CACNA1F (calcium voltage-gated channel subunit alpha1 F; minus strand). Cytogenetic location: Xp11.23.
Variant type: single nucleotide variant.
Coding change: c.4424T>C on transcript NM_001256789.3 (MANE Select); coding-DNA position 4424, T replaced by C.
Protein change: p.Leu1475Pro; replaces leucine 1475 with proline.
Molecular consequence: missense variant.
Genome position (GRCh38, 1-based): chrX:49,210,651, A>G on the plus strand (T>C on the coding strand, the complement: CACNA1F is on the minus strand). VCF-style: chrX-49210651-A-G. GRCh37 (hg19) VCF-style: chrX-49067111-A-G.
Other names: c.4262T>C, p.Leu1421Pro (NM_001256790.3); c.4457T>C, p.Leu1486Pro (NM_005183.4); c.4457T>C (NM_005183.3); short protein forms L1475P, L1421P, L1486P.
Identifiers: ClinVar variation 2138574 (VCV002138574.6), dbSNP rs2520774585, ClinGen allele CA412961047.